The following is an entry in ClinVar:

ClinVar aggregate classification (germline): Benign (3 of 4 stars; one submission).

Conditions:
Breast-ovarian cancer, familial, susceptibility to, 2 (BROVCA2). Also called: BRCA2 Hereditary Breast and Ovarian Cancer. Identifiers: Orphanet 145, MedGen C2675520, MONDO:0012933, OMIM 612555. Disease mechanism: loss of function.

Submission:

Evidence-based Network for the Interpretation of Germline Mutant Alleles (ENIGMA)
Classification: Benign for Breast-ovarian cancer, familial, susceptibility to, 2. Last evaluated: 2016-09-28. Review status: reviewed by expert panel. Criteria: ENIGMA BRCA1/2 Classification Criteria (2015). Collection method: curation. Allele origin: germline.
Comment: Class 1 not pathogenic based on frequency >1% in an outbred sampleset. Frequency 0.0408 (European), 0.0356 (African), 0.0994 (Admixed American/Latino), 0.0972 (East Asian), 0.1391 (South Asian), derived from 1000 genomes (2013-05-02).

NM_000059.4(BRCA2):c.8332-2952del

Gene: BRCA2 (BRCA2 DNA repair associated; plus strand). Cytogenetic location: 13q13.1.
Variant type: Deletion.
Coding change: c.8332-2952del on transcript NM_000059.4 (MANE Select); 2952 bases into the intron before coding-DNA position 8332, one base deleted (A; older notation c.8332-2952delA).
Molecular consequence: intron variant.
Genome position (GRCh38, 1-based): chr13:32,367,450, A deleted; the last of 10 consecutive A bases (chr13:32,367,441-32,367,450); deleting any one gives the same sequence. VCF-style (leftmost placement, unchanged base first): chr13-32367440-GA-G. GRCh37 (hg19) VCF-style: chr13-32941577-GA-G.
Identifiers: ClinVar variation 264939 (VCV000264939.1), dbSNP rs372239729, ClinGen allele CA10588136.